The following is an entry in ClinVar:

ClinVar aggregate classification (germline): Likely benign. Review status: criteria provided, single submitter (1 of 4 stars). 2 submissions from 2 submitters: Likely benign (1). 1 of the submissions does not count toward it. Last evaluated 2021-07-07.

Conditions:
HNRNPA2B1-related disorder. Also called: HNRNPA2B1-related condition.
Inclusion body myopathy with early-onset Paget disease with or without frontotemporal dementia 2 (IBMPFD2). Also called: MULTISYSTEM PROTEINOPATHY 2. Identifiers: MedGen C3809468, MONDO:0014178, OMIM 615422.

Submissions (2):

Labcorp Genetics (formerly Invitae), Labcorp
Classification: Likely benign for Inclusion body myopathy with early-onset Paget disease with or without frontotemporal dementia 2. Last evaluated: 2021-07-07. Review status: criteria provided, single submitter. Criteria: Invitae Variant Classification Sherloc (09022015). Collection method: clinical testing. Allele origin: germline.

PreventionGenetics, part of Exact Sciences
Classification: Likely benign for HNRNPA2B1-related condition. Last evaluated: 2024-08-06. Review status: no assertion criteria provided. Collection method: clinical testing. Allele origin: germline. Not counted in ClinVar's aggregate classification.
Comment: This variant is classified as likely benign based on ACMG/AMP sequence variant interpretation guidelines (Richards et al. 2015 PMID: 25741868, with internal and published modifications).

NM_002137.4(HNRNPA2B1):c.27T>G (p.Arg9=)

Gene: HNRNPA2B1 (heterogeneous nuclear ribonucleoprotein A2/B1; minus strand). Cytogenetic location: 7p15.2.
Variant type: single nucleotide variant.
Coding change: c.27T>G on transcript NM_002137.4 (MANE Select); coding-DNA position 27, T replaced by G.
Protein change: p.Arg9=; no amino-acid change (arginine 9 retained).
Molecular consequence: synonymous variant.
Genome position (GRCh38, 1-based): chr7:26,197,712, A>C on the plus strand (T>G on the coding strand, the complement: HNRNPA2B1 is on the minus strand). VCF-style: chr7-26197712-A-C. GRCh37 (hg19) VCF-style: chr7-26237332-A-C.
Other names: c.63T>G, p.Arg21= (NM_031243.4).
Identifiers: ClinVar variation 1617706 (VCV001617706.9), dbSNP rs762387902, ClinGen allele CA454507343.